The following is an entry in ClinVar:

NM_201253.3(CRB1):c.2128+1G>C

Gene: CRB1 (crumbs cell polarity complex component 1; plus strand). Cytogenetic location: 1q31.3.
Variant type: single nucleotide variant.
Coding change: c.2128+1G>C on transcript NM_201253.3 (MANE Select); the canonical splice donor site of the intron after coding-DNA position 2128, G replaced by C.
Molecular consequence: splice donor variant.
Genome position (GRCh38, 1-based): chr1:197,421,957, G>C. VCF-style: chr1-197421957-G-C. GRCh37 (hg19) VCF-style: chr1-197391087-G-C.
Other names: c.1921+1G>C (NM_001257965.2); c.2128+1G>C (NM_001257966.2); c.1792+1G>C (NM_001193640.2).
Identifiers: ClinVar variation 1067952 (VCV001067952.12), dbSNP rs2125472205, ClinGen allele CA344034340.

ClinVar aggregate classification (germline): Pathogenic/Likely pathogenic. Review status: criteria provided, multiple submitters, no conflicts (2 of 4 stars). 3 submissions from 3 submitters: Pathogenic (1); Likely pathogenic (2). Last evaluated 2023-07-29.

Conditions:
Retinitis pigmentosa 12 (RP12). Also called: RP WITH OR WITHOUT PPRPE; RP WITH OR WITHOUT PRESERVED PARAARTERIOLE RETINAL PIGMENT EPITHELIUM; RETINITIS PIGMENTOSA WITH OR WITHOUT PARAARTERIOLAR PRESERVATION OF RETINAL PIGMENT EPITHELIUM. Identifiers: Orphanet 791, MedGen C1838647, MONDO:0010818, OMIM 600105.
Leber congenital amaurosis 8 (LCA8). Identifiers: Orphanet 65, MedGen C3151202, MONDO:0013453, OMIM 613835.

Allele frequency attached by ClinVar (database versions not stated): gnomAD exomes below 0.00001.
gnomAD v4.1: 1 of 1,613,360 alleles (0.000062%); highest among the groups gnomAD compares: East Asian, 0.0022%; no homozygotes.

Submissions (3):

Baylor Genetics
Classification: Pathogenic for Leber congenital amaurosis 8. Last evaluated: 2023-07-29. Review status: criteria provided, single submitter. Criteria: ACMG Guidelines, 2015. Collection method: clinical testing. Allele origin: unknown.

Labcorp Genetics (formerly Invitae), Labcorp
Classification: Likely pathogenic for Leber congenital amaurosis 8; Retinitis pigmentosa 12. Last evaluated: 2021-08-18. Review status: criteria provided, single submitter. Criteria: Invitae Variant Classification Sherloc (09022015). Collection method: clinical testing. Allele origin: germline.
Comment: In summary, the currently available evidence indicates that the variant is pathogenic, but additional data are needed to prove that conclusively. Therefore, this variant has been classified as Likely Pathogenic. Donor and acceptor splice site variants typically lead to a loss of protein function (PMID: 16199547), and loss-of-function variants in CRB1 are known to be pathogenic (PMID: 10508521, 22065545, 23379534, 25412400, 26957898, 28041643, 29391521). Algorithms developed to predict the effect of sequence changes on RNA splicing suggest that this variant may disrupt the consensus splice site, but this prediction has not been confirmed by published transcriptional studies. Disruption of this splice site has been observed in individual(s) with Leber congenital amaurosis (PMID: 31103025). This variant is not present in population databases (ExAC no frequency). This sequence change affects a donor splice site in intron 6 of the CRB1 gene. It is expected to disrupt RNA splicing and likely results in an absent or disrupted protein product.

Juno Genomics, Hangzhou Juno Genomics, Inc
Classification: Likely pathogenic for Leber congenital amaurosis 8. Review status: criteria provided, single submitter. Criteria: ACMG Guidelines, 2015. Collection method: clinical testing. Allele origin: germline.
Comment: Absent from controls (or at extremely low frequency if recessive) in Genome Aggregation Database.;Null variant in a gene where loss of function (LOF) is a known mechanism of disease.;Patient's phenotype or family history is highly specific for a disease with a single genetic etiology.

Literature cited by the submitters: PubMed 16199547 (cited by Labcorp Genetics (formerly Invitae), Labcorp); PubMed 10508521 (cited by Labcorp Genetics (formerly Invitae), Labcorp); PubMed 22065545 (cited by Labcorp Genetics (formerly Invitae), Labcorp); PubMed 23379534 (cited by Labcorp Genetics (formerly Invitae), Labcorp); PubMed 25412400 (cited by Labcorp Genetics (formerly Invitae), Labcorp); PubMed 26957898 (cited by Labcorp Genetics (formerly Invitae), Labcorp); PubMed 28041643 (cited by Labcorp Genetics (formerly Invitae), Labcorp); PubMed 29391521 (cited by Labcorp Genetics (formerly Invitae), Labcorp); PubMed 31103025 (cited by Labcorp Genetics (formerly Invitae), Labcorp).